The following is an entry in ClinVar:

NM_020800.3(IFT80):c.1936G>C (p.Val646Leu)

Genes: TRIM59-IFT80 (TRIM59-IFT80 readthrough (NMD candidate); minus strand), IFT80 (intraflagellar transport 80; minus strand). Cytogenetic location: 3q25.33.
Variant type: single nucleotide variant.
Coding change: c.1936G>C on transcript NM_020800.3 (MANE Select); coding-DNA position 1936, G replaced by C.
Protein change: p.Val646Leu; replaces valine 646 with leucine.
Molecular consequence: missense variant. On other transcripts: non-coding transcript variant (3).
Genome position (GRCh38, 1-based): chr3:160,277,469, C>G on the plus strand (G>C on the coding strand, the complement: IFT80 is on the minus strand). VCF-style: chr3-160277469-C-G. GRCh37 (hg19) VCF-style: chr3-159995257-C-G.
Other names: c.1525G>C, p.Val509Leu (NM_001190241.2, NM_001190242.2); short protein forms V509L, V646L.
Identifiers: ClinVar variation 1304169 (VCV001304169.4), dbSNP rs752617502, ClinGen allele CA355190479.

ClinVar aggregate classification (germline): Uncertain significance. Review status: criteria provided, multiple submitters, no conflicts (2 of 4 stars). 2 submissions from 2 submitters: Uncertain significance (2). Last evaluated 2022-07-26.

Conditions:
Jeune thoracic dystrophy. Also called: Jeune syndrome; Infantile thoracic dystrophy; Thoracic pelvic phalangeal dystrophy; Jeune's syndrome; Chondroectodermal dysplasia-like syndrome; Short-rib thoracic dysplasia. Identifiers: Orphanet 474, MedGen C0265275, MONDO:0018770.

gnomAD v4.1: 21 of 1,602,740 alleles (0.0013%); highest among the groups gnomAD compares: Admixed American, 0.033%; no homozygotes.

Submissions (2):

Labcorp Genetics (formerly Invitae), Labcorp
Classification: Uncertain significance for Jeune thoracic dystrophy. Last evaluated: 2022-07-26. Review status: criteria provided, single submitter. Criteria: Invitae Variant Classification Sherloc (09022015). Collection method: clinical testing. Allele origin: germline.
Comment: This sequence change replaces valine, which is neutral and non-polar, with leucine, which is neutral and non-polar, at codon 646 of the IFT80 protein (p.Val646Leu). This variant is present in population databases (no rsID available, gnomAD 0.02%). This variant has not been reported in the literature in individuals affected with IFT80-related conditions. ClinVar contains an entry for this variant (Variation ID: 1304169). Algorithms developed to predict the effect of missense changes on protein structure and function (SIFT, PolyPhen-2, Align-GVGD) all suggest that this variant is likely to be disruptive. In summary, the available evidence is currently insufficient to determine the role of this variant in disease. Therefore, it has been classified as a Variant of Uncertain Significance.

GeneDx
Classification: Uncertain significance. Last evaluated: 2018-09-10. Review status: criteria provided, single submitter. Criteria: GeneDx Variant Classification Process June 2021. Collection method: clinical testing. Allele origin: germline. Affected: yes.
Comment: In silico analysis, which includes protein predictors and evolutionary conservation, supports that this variant does not alter protein structure/function; Has not been previously published as pathogenic or benign to our knowledge